The following is an entry in ClinVar:

ClinVar aggregate classification (germline): Likely benign. Review status: criteria provided, multiple submitters, no conflicts (2 of 4 stars). 4 submissions from 4 submitters: Likely benign (3). 1 of the submissions does not count toward it. Last evaluated 2026-01-12.

Conditions:
MYH7B-related disorder. Also called: MYH7B-related condition.

Allele frequency attached by ClinVar (database versions not stated): gnomAD exomes 0.00060 and 0.00123; gnomAD 0.00085 and 0.00091; ESP Exome Variant Server 0.00105; TOPMed 0.00107; ExAC 0.00229; 1000 Genomes Project 0.00240.
gnomAD v4.1: 1,009 of 1,576,972 alleles (0.064%); highest among the groups gnomAD compares: Middle Eastern, 1.1%; 8 homozygotes.

Submissions (4):

Labcorp Genetics (formerly Invitae), Labcorp
Classification: Likely benign. Last evaluated: 2026-01-12. Review status: criteria provided, single submitter. Criteria: Invitae Variant Classification Sherloc (09022015). Collection method: clinical testing. Allele origin: germline.

CeGaT Center for Human Genetics Tuebingen
Classification: Likely benign. Last evaluated: 2023-06-01. Review status: criteria provided, single submitter. Criteria: CeGaT Center For Human Genetics Tuebingen Variant Classification Criteria Version 2. Collection method: clinical testing. Allele origin: germline. Affected: yes. Observed: 1 variant allele.
Comment: MYH7B: BP4

Breakthrough Genomics
Classification: Likely benign. Review status: criteria provided, single submitter. Criteria: ACMG Guidelines, 2015. Collection method: not provided. Allele origin: germline. Inheritance: Unknown mechanism. Affected: yes.

PreventionGenetics, part of Exact Sciences
Classification: Likely benign for MYH7B-related condition. Last evaluated: 2024-07-18. Review status: no assertion criteria provided. Collection method: clinical testing. Allele origin: germline. Not counted in ClinVar's aggregate classification.
Comment: This variant is classified as likely benign based on ACMG/AMP sequence variant interpretation guidelines (Richards et al. 2015 PMID: 25741868, with internal and published modifications).

NM_020884.7(MYH7B):c.-90C>T

Gene: MYH7B (myosin heavy chain 7B; plus strand). Cytogenetic location: 20q11.22.
Variant type: single nucleotide variant.
Coding change: c.-90C>T on transcript NM_020884.7 (MANE Select); 90 bases upstream of the start codon, C replaced by T.
Molecular consequence: 5 prime UTR variant.
Genome position (GRCh38, 1-based): chr20:34,977,663, C>T. VCF-style: chr20-34977663-C-T. GRCh37 (hg19) VCF-style: chr20-33565466-C-T.
Identifiers: ClinVar variation 737406 (VCV000737406.34), dbSNP rs201494323, ClinGen allele CA9826234.